The following is an entry in ClinVar:

ClinVar aggregate classification (germline): Uncertain significance (1 of 4 stars; one submission).

Allele frequency attached by ClinVar (database versions not stated): TOPMed below 0.00001.
gnomAD v4.1: 10 of 1,607,538 alleles (0.00062%); highest among the groups gnomAD compares: Non-Finnish European, 0.00085%; no homozygotes.

Submission:

Labcorp Genetics (formerly Invitae), Labcorp
Classification: Uncertain significance. Last evaluated: 2023-04-30. Review status: criteria provided, single submitter. Criteria: Invitae Variant Classification Sherloc (09022015). Collection method: clinical testing. Allele origin: germline.
Comment: This sequence change replaces proline, which is neutral and non-polar, with histidine, which is basic and polar, at codon 297 of the SLC12A6 protein (p.Pro297His). This variant is not present in population databases (gnomAD no frequency). This variant has not been reported in the literature in individuals affected with SLC12A6-related conditions. Advanced modeling of protein sequence and biophysical properties (such as structural, functional, and spatial information, amino acid conservation, physicochemical variation, residue mobility, and thermodynamic stability) performed at Invitae indicates that this missense variant is expected to disrupt SLC12A6 protein function. In summary, the available evidence is currently insufficient to determine the role of this variant in disease. Therefore, it has been classified as a Variant of Uncertain Significance.

NM_001365088.1(SLC12A6):c.890C>A (p.Pro297His)

Gene: SLC12A6 (solute carrier family 12 member 6; minus strand). Cytogenetic location: 15q14.
Variant type: single nucleotide variant.
Coding change: c.890C>A on transcript NM_001365088.1 (MANE Select); coding-DNA position 890, C replaced by A.
Protein change: p.Pro297His; replaces proline 297 with histidine.
Molecular consequence: missense variant.
Genome position (GRCh38, 1-based): chr15:34,254,576, G>T on the plus strand (C>A on the coding strand, the complement: SLC12A6 is on the minus strand). VCF-style: chr15-34254576-G-T. GRCh37 (hg19) VCF-style: chr15-34546777-G-T.
Other names: c.713C>A, p.Pro238His (NM_001042494.2, NM_001042495.2); c.863C>A, p.Pro288His (NM_001042496.2); c.845C>A, p.Pro282His (NM_001042497.2); c.737C>A, p.Pro246His (NM_005135.2); c.890C>A, p.Pro297His (NM_133647.2); short protein forms P282H, P297H, P288H, P238H, P246H.
Identifiers: ClinVar variation 2906981 (VCV002906981.3), dbSNP rs1046948996, ClinGen allele CA268639559.